The following is an entry in ClinVar:

ClinVar aggregate classification (germline): Benign/Likely benign. Review status: criteria provided, multiple submitters, no conflicts (2 of 4 stars). 3 submissions from 3 submitters: Benign (1); Likely benign (1). 1 of the submissions does not count toward it. Last evaluated 2025-08-21.

Conditions:
Dextro-looped transposition of the great arteries. Also called: Dextrotransposition of the great arteries. Identifiers: Orphanet 860, MedGen C3531771, MONDO:0019443, OMIM 608808, HP:0031348.
MED13L-related disorder. Also called: MED13L-related condition.

Submissions (3):

Labcorp Genetics (formerly Invitae), Labcorp
Classification: Benign for Dextro-looped transposition of the great arteries. Last evaluated: 2025-08-21. Review status: criteria provided, single submitter. Criteria: Invitae Variant Classification Sherloc (09022015). Collection method: clinical testing. Allele origin: germline.

GeneDx
Classification: Likely benign. Last evaluated: 2020-09-24. Review status: criteria provided, single submitter. Criteria: GeneDx Variant Classification Process June 2021. Collection method: clinical testing. Allele origin: germline. Affected: yes.

PreventionGenetics, part of Exact Sciences
Classification: Likely benign for MED13L-related condition. Last evaluated: 2019-08-28. Review status: no assertion criteria provided. Collection method: clinical testing. Allele origin: germline. Not counted in ClinVar's aggregate classification.
Comment: This variant is classified as likely benign based on ACMG/AMP sequence variant interpretation guidelines (Richards et al. 2015 PMID: 25741868, with internal and published modifications).

NM_015335.5(MED13L):c.73-10_73-9dup

Gene: MED13L (mediator complex subunit 13L; minus strand). Cytogenetic location: 12q24.21.
Variant type: Duplication.
Coding change: c.73-10_73-9dup on transcript NM_015335.5 (MANE Select); 10 bases into the intron before coding-DNA position 73 through 9 bases into the intron before coding-DNA position 73, 2 bases duplicated (CT; older notation c.73-10_73-9dupCT).
Molecular consequence: intron variant.
Genome position (GRCh38, 1-based): chr12:116,237,714-116,237,715, AG duplicated on the plus strand (CT on the coding strand, the reverse complement: MED13L is on the minus strand); duplicating any 2 consecutive bases within chr12:116,237,714-116,237,716 gives the same sequence; the c. name uses the placement nearest the transcript's 3' end. VCF-style (leftmost placement, unchanged base first): chr12-116237713-A-AAG. GRCh37 (hg19) VCF-style: chr12-116675518-A-AAG.
Other names: c.73-10_73-9dupCT (NM_015335.4).
Identifiers: ClinVar variation 1165216 (VCV001165216.17), dbSNP rs765651929, ClinGen allele CA6811828.